The following is an entry in ClinVar:

ClinVar aggregate classification (germline): Uncertain significance. Review status: criteria provided, multiple submitters, no conflicts (2 of 4 stars). 3 submissions from 3 submitters: Uncertain significance (2). 1 of the submissions does not count toward it. Last evaluated 2026-03-22.

Conditions:
Left ventricular noncompaction 1 (LVNC1). Also called: LEFT VENTRICULAR NONCOMPACTION 1 WITH OR WITHOUT CONGENITAL HEART DEFECTS. Identifiers: Orphanet 54260, MedGen C1858725, MONDO:0011403, OMIM 604169.

Allele frequency attached by ClinVar (database versions not stated): gnomAD 0.00001; TOPMed 0.00002.
gnomAD v4.1: 3 of 1,612,246 alleles (0.00019%); highest among the groups gnomAD compares: African/African-American, 0.0013%; no homozygotes.

Submissions (3):

Clinical Genomics Laboratory, Washington University in St. Louis
Classification: Uncertain significance for Left ventricular noncompaction 1. Last evaluated: 2026-03-22. Review status: criteria provided, single submitter. Criteria: ACMG Guidelines, 2015. Collection method: clinical testing. Allele origin: germline.
Comment: A DTNA c.1692G>C (p.Glu564Asp) variant was identified in a heterozygous state. This missense variant has been reported in the literature in four individuals from one family with early onset atrial fibrillation (Malakootian M et al., PMID: 35148685). It occurs in 3/1,612,246 alleles in the general population (gnomAD v4.1.0), indicating it is not a common variant. Computational predictors suggest that the variant does not impact DTNA function. Due to limited information, the clinical significance of this variant is uncertain.

Labcorp Genetics (formerly Invitae), Labcorp
Classification: Uncertain significance for Left ventricular noncompaction 1. Last evaluated: 2025-03-30. Review status: criteria provided, single submitter. Criteria: Invitae Variant Classification Sherloc (09022015). Collection method: clinical testing. Allele origin: germline.
Comment: This sequence change replaces glutamic acid, which is acidic and polar, with aspartic acid, which is acidic and polar, at codon 537 of the DTNA protein (p.Glu537Asp). This variant is not present in population databases (gnomAD no frequency). This missense change has been observed in individual(s) with atrial fbrillation (PMID: 35148685). This variant is also known as c.G681C (p.Glu227Asp). ClinVar contains an entry for this variant (Variation ID: 1224303). An algorithm developed to predict the effect of missense changes on protein structure and function (PolyPhen-2) suggests that this variant is likely to be disruptive. In summary, the available evidence is currently insufficient to determine the role of this variant in disease. Therefore, it has been classified as a Variant of Uncertain Significance.

Rajaie Cardiovascular, Medical and Research Center, Iran University of Medical Sciences
Classification: Likely pathogenic for Left ventricular noncompaction 1. Review status: no assertion criteria provided. Collection method: research. Allele origin: somatic. Inheritance: Autosomal dominant inheritance. Affected: yes. Observed: 1 heterozygote. Not counted in ClinVar's aggregate classification.

Literature cited by the submitters: PubMed 35148685 (cited by Labcorp Genetics (formerly Invitae), Labcorp).

NM_001386795.1(DTNA):c.1692G>C (p.Glu564Asp)

Gene: DTNA (dystrobrevin alpha; plus strand). Cytogenetic location: 18q12.1.
Variant type: single nucleotide variant.
Coding change: c.1692G>C on transcript NM_001386795.1 (MANE Select); coding-DNA position 1692, G replaced by C.
Protein change: p.Glu564Asp; replaces glutamic acid 564 with aspartic acid.
Molecular consequence: missense variant.
Genome position (GRCh38, 1-based): chr18:34,864,011, G>C. VCF-style: chr18-34864011-G-C. GRCh37 (hg19) VCF-style: chr18-32443975-G-C.
Other names: c.1431G>C, p.Glu477Asp (NM_001198938.2, NM_001198939.2, NM_001198940.2 and 9 more transcripts); c.738G>C, p.Glu246Asp (NM_001198942.1); c.681G>C, p.Glu227Asp (NM_001198943.1); c.567G>C, p.Glu189Asp (NM_001198944.1); c.861G>C, p.Glu287Asp (NM_001198945.2); c.1521G>C, p.Glu507Asp (NM_001386754.1, NM_001386755.1, NM_001386756.1 and 4 more transcripts); c.1518G>C, p.Glu506Asp (NM_001386760.1); c.1440G>C, p.Glu480Asp (NM_001386761.1, NM_032975.4, NM_032979.5); and 7 more; short protein forms E159D, E185D, E189D, E227D, E246D, E287D, E476D, E477D.
Identifiers: ClinVar variation 1224303 (VCV001224303.4), dbSNP rs1477078144, ClinGen allele CA402176639.